The following is an entry in ClinVar:

ClinVar aggregate classification (germline): Likely pathogenic (1 of 4 stars; one submission).

Conditions:
Autosomal recessive nonsyndromic hearing loss 77. Identifiers: Orphanet 90636, MedGen C2746083, MONDO:0013119, OMIM 613079.

Submission:

Natera, Inc.
Classification: Likely pathogenic for Autosomal recessive deafness type 77. Last evaluated: 2024-03-28. Review status: criteria provided, single submitter. Criteria: Natera Variant Classification Schema (03/2026). Collection method: clinical testing. Allele origin: germline.
Comment: The c.4781_4803delCTGACTTCTGGGAGATCGCCCTG variant in LOXHD1 is a frameshift variant predicted to shift the reading frame beginning at codon 1594 and leads to a stop codon 18 codons downstream. This variant is expected to result in nonsense mediated decay, truncation, or a dysfunctional protein product. This variant is rare in the general population with a frequency below the threshold expected for the associated phenotype(s). Given the available evidence, this variant is classified as Likely Pathogenic.

NM_001384474.1(LOXHD1):c.4781_4803del (p.Ala1594fs)

Gene: LOXHD1 (lipoxygenase homology PLAT domains 1; minus strand). Cytogenetic location: 18q21.1.
Variant type: Deletion.
Coding change: c.4781_4803del on transcript NM_001384474.1 (MANE Select); coding-DNA positions 4781 to 4803, 23 bases deleted (CTGACTTCTGGGAGATCGCCCTG).
Protein change: p.Ala1594fs; shifts the reading frame from alanine 1594.
Molecular consequence: frameshift variant.
Genome position (GRCh38, 1-based): chr18:46,524,539-46,524,561, CAGGGCGATCTCCCAGAAGTCAG deleted on the plus strand (CTGACTTCTGGGAGATCGCCCTG on the coding strand, the reverse complement: LOXHD1 is on the minus strand); deleting any 23 consecutive bases within chr18:46,524,539-46,524,567 gives the same sequence; the c. name uses the placement nearest the transcript's 3' end. VCF-style (leftmost placement, unchanged base first): chr18-46524538-TCAGGGCGATCTCCCAGAAGTCAG-T. GRCh37 (hg19) VCF-style: chr18-44104501-TCAGGGCGATCTCCCAGAAGTCAG-T.
Other names: c.1448_1470del, p.Ala483fs (NM_001145472.3); c.1160_1182del, p.Ala387fs (NM_001308013.2); c.4781_4803del, p.Ala1594fs (NM_144612.7); short protein forms A1594fs, A387fs, A483fs.
Identifiers: ClinVar variation 4816830 (VCV004816830.1).